The following is an entry in ClinVar:

NM_001378183.1(PIEZO2):c.6821T>C (p.Ile2274Thr)

Gene: PIEZO2 (piezo type mechanosensitive ion channel component 2; minus strand). Cytogenetic location: 18p11.22.
Variant type: single nucleotide variant.
Coding change: c.6821T>C on transcript NM_001378183.1 (MANE Select); coding-DNA position 6821, T replaced by C.
Protein change: p.Ile2274Thr; replaces isoleucine 2274 with threonine.
Molecular consequence: missense variant.
Genome position (GRCh38, 1-based): chr18:10,697,754, A>G on the plus strand (T>C on the coding strand, the complement: PIEZO2 is on the minus strand). VCF-style: chr18-10697754-A-G. GRCh37 (hg19) VCF-style: chr18-10697752-A-G.
Other names: c.6557T>C, p.Ile2186Thr (NM_001410871.1); c.6482T>C, p.Ile2161Thr (NM_022068.4); short protein forms I2186T, I2161T, I2274T.
Identifiers: ClinVar variation 5000914 (VCV005000914.1).

ClinVar aggregate classification (germline): Uncertain significance (1 of 4 stars; one submission).

Conditions:
PIEZO2-related disorder. Also called: PIEZO2-related disorders; PIEZO2-related condition.

Submission:

PreventionGenetics, part of Exact Sciences
Classification: Uncertain significance for PIEZO2-related condition. Last evaluated: 2024-11-07. Review status: criteria provided, single submitter. Criteria: ACMG Guidelines, 2015. Collection method: clinical testing. Allele origin: germline.
Comment: The PIEZO2 c.6482T>C variant is predicted to result in the amino acid substitution p.Ile2161Thr. To our knowledge, this variant has not been reported in the literature or in a large population database (gnomAD), indicating this variant is rare. At this time, the clinical significance of this variant is uncertain due to the absence of conclusive functional and genetic evidence.